The following is an entry in ClinVar:

NM_013447.4(ADGRE2):c.2463G>A (p.Thr821=)

Gene: ADGRE2 (adhesion G protein-coupled receptor E2; minus strand). Cytogenetic location: 19p13.12.
Variant type: single nucleotide variant.
Coding change: c.2463G>A on transcript NM_013447.4 (MANE Select); coding-DNA position 2463, G replaced by A.
Protein change: p.Thr821=; no amino-acid change (threonine 821 retained).
Molecular consequence: synonymous variant.
Genome position (GRCh38, 1-based): chr19:14,743,420, C>T on the plus strand (G>A on the coding strand, the complement: ADGRE2 is on the minus strand). VCF-style: chr19-14743420-C-T. GRCh37 (hg19) VCF-style: chr19-14854232-C-T.
Other names: c.2289G>A, p.Thr763= (NM_001271052.1); c.2316G>A, p.Thr772= (NM_152916.2); c.2184G>A, p.Thr728= (NM_152917.2).
Identifiers: ClinVar variation 3703828 (VCV003703828.2).

ClinVar aggregate classification (germline): Uncertain significance (1 of 4 stars; one submission).

gnomAD v4.1: 39 of 1,613,306 alleles (0.0024%); highest among the groups gnomAD compares: Middle Eastern, 0.033%; no homozygotes.

Submission:

Labcorp Genetics (formerly Invitae), Labcorp
Classification: Uncertain significance. Last evaluated: 2025-10-26. Review status: criteria provided, single submitter. Criteria: Invitae Variant Classification Sherloc (09022015). Collection method: clinical testing. Allele origin: germline.
Comment: This sequence change affects codon 821 of the ADGRE2 mRNA. It is a 'silent' change, meaning that it does not change the encoded amino acid sequence of the ADGRE2 protein. This variant also falls at the last nucleotide of exon 20, which is part of the consensus splice site for this exon. This variant is present in population databases (rs202101555, gnomAD 0.006%). This variant has not been reported in the literature in individuals affected with ADGRE2-related conditions. ClinVar contains an entry for this variant (Variation ID: 3703828). Variants that disrupt the consensus splice site are a relatively common cause of aberrant splicing (PMID: 17576681, 9536098). Algorithms developed to predict the effect of sequence changes on RNA splicing suggest that this variant may disrupt the consensus splice site. In summary, the available evidence is currently insufficient to determine the role of this variant in disease. Therefore, it has been classified as a Variant of Uncertain Significance.

Literature cited by the submitters: PubMed 17576681; PubMed 9536098.